The following is an entry in ClinVar:

NM_006206.6(PDGFRA):c.1686_1687insTGGGTCATT (p.Ile562_Glu563insTrpValIle)

Gene: PDGFRA (platelet derived growth factor receptor alpha; plus strand). Cytogenetic location: 4q12.
Variant type: Insertion.
Coding change: c.1686_1687insTGGGTCATT on transcript NM_006206.6 (MANE Select); coding-DNA positions 1686 to 1687, TGGGTCATT inserted.
Protein change: p.Ile562_Glu563insTrpValIle.
Genome position: GRCh38 VCF-style: chr4-54274865-A-AGGGTCATTT. GRCh37 (hg19) VCF-style: chr4-55141032-A-AGGGTCATTT.
Other names: c.1686_1687insTGGGTCATT, p.Ile562_Glu563insTrpValIle (NM_001347827.2, NM_001347829.2); c.1761_1762insTGGGTCATT, p.Ile587_Glu588insTrpValIle (NM_001347828.2); c.1725_1726insTGGGTCATT, p.Ile575_Glu576insTrpValIle (NM_001347830.2).
Identifiers: ClinVar variation 4530341 (VCV004530341.1).

ClinVar aggregate classification (somatic clinical impact): Tier I - Strong (1 of 4 stars; one submission).

Conditions:
Astrocytoma IDH-mutant. Identifiers: MedGen C5669733.

Submission:

Institute for Genomic Medicine (IGM) Clinical Laboratory, Nationwide Children's Hospital
Classification: Tier I - Strong for Astrocytoma IDH-mutant. Assertion type: diagnostic. Clinical significance: supports diagnosis. Last evaluated: 2024-02-22. Review status: criteria provided, single submitter. Criteria: AMP/ASCO/CAP Guidelines, 2017. Collection method: clinical testing. Allele origin: somatic. Affected: yes.
Comment: Variant has Tier I (strong) clinical significance as a diagnostic inclusion criterion in Astrocytoma IDH-mutant, based on the following evidence: 1) Diagnostic for a specific tumor type/classification based on well-powered studies with expert-level consensus (Evidence Level B; PMIDs: 33692446, 23438035, 29687258, 31733156).

Literature cited by the submitters: PubMed 33692446; PubMed 23438035; PubMed 29687258; PubMed 31733156.